The following is an entry in ClinVar:

ClinVar aggregate classification (germline): Uncertain significance (1 of 4 stars; one submission).

Submission:

GeneDx
Classification: Uncertain significance. Last evaluated: 2022-08-19. Review status: criteria provided, single submitter. Criteria: GeneDx Variant Classification Process June 2021. Collection method: clinical testing. Allele origin: germline. Affected: yes.
Comment: Not observed at significant frequency in large population cohorts (gnomAD); In silico analysis supports that this missense variant does not alter protein structure/function; Has not been previously published as pathogenic or benign to our knowledge

NM_031407.7(HUWE1):c.4183T>G (p.Ser1395Ala)

Gene: HUWE1 (HECT, UBA and WWE domain containing E3 ubiquitin protein ligase 1; minus strand). Cytogenetic location: Xp11.22.
Variant type: single nucleotide variant.
Coding change: c.4183T>G on transcript NM_031407.7 (MANE Select); coding-DNA position 4183, T replaced by G.
Protein change: p.Ser1395Ala; replaces serine 1395 with alanine.
Molecular consequence: missense variant.
Genome position (GRCh38, 1-based): chrX:53,590,412, A>C on the plus strand (T>G on the coding strand, the complement: HUWE1 is on the minus strand). VCF-style: chrX-53590412-A-C. GRCh37 (hg19) VCF-style: chrX-53617372-A-C.
Other names: short protein forms S1395A.
Identifiers: ClinVar variation 2430498 (VCV002430498.1), dbSNP rs2064095549, ClinGen allele CA413176919.